The following is an entry in ClinVar:

ClinVar aggregate classification (germline): Uncertain significance (1 of 4 stars; one submission).

Allele frequency attached by ClinVar (database versions not stated): gnomAD exomes below 0.00001.
gnomAD v4.1: 4 of 1,525,372 alleles (0.00026%); highest among the groups gnomAD compares: Non-Finnish European, 0.00035%; no homozygotes.

Submission:

Ambry Genetics
Classification: Uncertain significance. Last evaluated: 2021-07-10. Review status: criteria provided, single submitter. Criteria: Ambry Variant Classification Scheme 2023. Collection method: clinical testing. Allele origin: germline.
Comment: The p.I490V variant (also known as c.1468A>G), located in coding exon 14 of the PRKDC gene, results from an A to G substitution at nucleotide position 1468. The isoleucine at codon 490 is replaced by valine, an amino acid with highly similar properties. This amino acid position is conserved. In addition, this alteration is predicted to be tolerated by in silico analysis. Since supporting evidence is limited at this time, the clinical significance of this alteration remains unclear.

NM_006904.7(PRKDC):c.1468A>G (p.Ile490Val)

Gene: PRKDC (protein kinase, DNA-activated, catalytic subunit; minus strand). Cytogenetic location: 8q11.21.
Variant type: single nucleotide variant.
Coding change: c.1468A>G on transcript NM_006904.7 (MANE Select); coding-DNA position 1468, A replaced by G.
Protein change: p.Ile490Val; replaces isoleucine 490 with valine.
Molecular consequence: missense variant.
Genome position (GRCh38, 1-based): chr8:47,935,038, T>C on the plus strand (A>G on the coding strand, the complement: PRKDC is on the minus strand). VCF-style: chr8-47935038-T-C. GRCh37 (hg19) VCF-style: chr8-48847598-T-C.
Other names: c.1468A>G, p.Ile490Val (NM_001081640.2); short protein forms I490V.
Identifiers: ClinVar variation 1773291 (VCV001773291.2), dbSNP rs2090324606, ClinGen allele CA371165598.